The following is an entry in ClinVar:

ClinVar aggregate classification (germline): Uncertain significance (1 of 4 stars; one submission).

Submission:

Women's Health and Genetics/Laboratory Corporation of America, LabCorp
Classification: Uncertain significance. Last evaluated: 2024-05-01. Review status: criteria provided, single submitter. Criteria: LabCorp Variant Classification Summary - May 2015. Collection method: clinical testing. Allele origin: germline.
Comment: Variant summary: CHD5 c.3152A>G (p.Lys1051Arg) results in a conservative amino acid change located in the helicase, C-terminal domain-like (IPR001650) of the encoded protein sequence. Three of five in-silico tools predict a damaging effect of the variant on protein function. The variant was absent in 250914 control chromosomes. The available data on variant occurrences in the general population are insufficient to allow any conclusion about variant significance. To our knowledge, no occurrence of c.3152A>G in individuals affected with Parenti-Mignot Neurodevelopmental Syndrome and no experimental evidence demonstrating its impact on protein function have been reported. No submitters have cited clinical-significance assessments for this variant to ClinVar. Based on the evidence outlined above, the variant was classified as uncertain significance.

NM_015557.3(CHD5):c.3152A>G (p.Lys1051Arg)

Gene: CHD5 (chromodomain helicase DNA binding protein 5; minus strand). Cytogenetic location: 1p36.31.
Variant type: single nucleotide variant.
Coding change: c.3152A>G on transcript NM_015557.3 (MANE Select); coding-DNA position 3152, A replaced by G.
Protein change: p.Lys1051Arg; replaces lysine 1051 with arginine.
Molecular consequence: missense variant.
Genome position (GRCh38, 1-based): chr1:6,131,741, T>C on the plus strand (A>G on the coding strand, the complement: CHD5 is on the minus strand). VCF-style: chr1-6131741-T-C. GRCh37 (hg19) VCF-style: chr1-6191801-T-C.
Other names: short protein forms K1051R.
Identifiers: ClinVar variation 3336282 (VCV003336282.1).